The following is an entry in ClinVar:

NM_139076.3(ABRAXAS1):c.452A>G (p.His151Arg)

Gene: ABRAXAS1 (abraxas 1, BRCA1 A complex subunit; minus strand). Cytogenetic location: 4q21.23.
Variant type: single nucleotide variant.
Coding change: c.452A>G on transcript NM_139076.3 (MANE Select); coding-DNA position 452, A replaced by G.
Protein change: p.His151Arg; replaces histidine 151 with arginine.
Molecular consequence: missense variant.
Genome position (GRCh38, 1-based): chr4:83,470,227, T>C on the plus strand (A>G on the coding strand, the complement: ABRAXAS1 is on the minus strand). VCF-style: chr4-83470227-T-C. GRCh37 (hg19) VCF-style: chr4-84391380-T-C.
Other names: c.125A>G, p.His42Arg (NM_001345962.2); short protein forms H151R, H42R.
Identifiers: ClinVar variation 1800391 (VCV001800391.2), dbSNP rs1722528274, ClinGen allele CA357259715.
Genomic context (GRCh38, chr4:83,470,227, plus strand): 5'-TTAGTTTAATACAGCCAGTGACTGGCCAACATTTACCCTTTTTGAGGTTTATATAAGGAA[T>C]GTTCCAGTCGATGAGTAGAGCAGCTTTCTGTTATTATACTTGGTGTTAATAGCAGAAAAA-3'
Protein context (NP_620775.2, residues 141-161): TESCSTHRLE[His151Arg]SLYKPQKGLF

ClinVar aggregate classification (germline): Uncertain significance (1 of 4 stars; one submission).

Allele frequency attached by ClinVar (database versions not stated): TOPMed below 0.00001.

Submission:

Ambry Genetics
Classification: Uncertain significance. Last evaluated: 2021-07-07. Review status: criteria provided, single submitter. Criteria: Ambry Variant Classification Scheme 2023. Collection method: clinical testing. Allele origin: germline.
Comment: The p.H151R variant (also known as c.452A>G), located in coding exon 5 of the FAM175A gene, results from an A to G substitution at nucleotide position 452. The histidine at codon 151 is replaced by arginine, an amino acid with highly similar properties. This amino acid position is conserved. In addition, the in silico prediction for this alteration is inconclusive. Since supporting evidence is limited at this time, the clinical significance of this alteration remains unclear.